The following is an entry in ClinVar:

NM_133459.4(CCBE1):c.271G>A (p.Asp91Asn)

Gene: CCBE1 (collagen and calcium binding EGF domains 1; minus strand). Cytogenetic location: 18q21.32.
Variant type: single nucleotide variant.
Coding change: c.271G>A on transcript NM_133459.4 (MANE Select); coding-DNA position 271, G replaced by A.
Protein change: p.Asp91Asn; replaces aspartic acid 91 with asparagine.
Molecular consequence: missense variant.
Genome position (GRCh38, 1-based): chr18:59,469,602, C>T on the plus strand (G>A on the coding strand, the complement: CCBE1 is on the minus strand). VCF-style: chr18-59469602-C-T. GRCh37 (hg19) VCF-style: chr18-57136834-C-T.
Other names: c.271G>A (NM_133459.3); short protein forms D91N.
Identifiers: ClinVar variation 1425649 (VCV001425649.4), dbSNP rs750584132, ClinGen allele CA8980553.
Genomic context (GRCh38, chr18:59,469,602, plus strand): 5'-ACAGCACTCGGCCAAAGTTGTCCGTGCACTGCTGTTCACAGGGAGCCTCGGCACAAACGT[C>T]GTAATCTGAAAAAGCAAAGTGAGAGCTCACATCAACTACAGGAGGAGGCGGAGTAACCTG-3'
Protein context (NP_597716.1, residues 81-101): VLGQCIPEDY[Asp91Asn]VCAEAPCEQQ

ClinVar aggregate classification (germline): Uncertain significance. Review status: criteria provided, multiple submitters, no conflicts (2 of 4 stars). 2 submissions from 2 submitters: Uncertain significance (2). Last evaluated 2026-02-01.

Allele frequency attached by ClinVar (database versions not stated): ExAC 0.00002; gnomAD exomes 0.00004; TOPMed 0.00001; gnomAD 0.00002.
gnomAD v4.1: 55 of 1,613,938 alleles (0.0034%); highest among the groups gnomAD compares: East Asian, 0.0089%; no homozygotes.

Submissions (2):

GeneDx
Classification: Uncertain significance. Last evaluated: 2026-02-01. Review status: criteria provided, single submitter. Criteria: GeneDx Variant Classification Process June 2021. Collection method: clinical testing. Allele origin: germline.
Comment: In silico analysis supports that this missense variant has a deleterious effect on protein structure/function; This variant is associated with the following publications: (PMID: 30894704, 30853196)

Labcorp Genetics (formerly Invitae), Labcorp
Classification: Uncertain significance. Last evaluated: 2022-02-27. Review status: criteria provided, single submitter. Criteria: Invitae Variant Classification Sherloc (09022015). Collection method: clinical testing. Allele origin: germline.
Comment: This sequence change replaces aspartic acid, which is acidic and polar, with asparagine, which is neutral and polar, at codon 91 of the CCBE1 protein (p.Asp91Asn). This variant is present in population databases (rs750584132, gnomAD 0.02%). This missense change has been observed in individual(s) with protein-losing enteropathy and diarrhea (PMID: 30894704). Algorithms developed to predict the effect of missense changes on protein structure and function are either unavailable or do not agree on the potential impact of this missense change (SIFT: "Deleterious"; PolyPhen-2: "Probably Damaging"; Align-GVGD: "Class C0"). In summary, the available evidence is currently insufficient to determine the role of this variant in disease. Therefore, it has been classified as a Variant of Uncertain Significance.

Literature cited by the submitters: PubMed 30894704 (cited by Labcorp Genetics (formerly Invitae), Labcorp).